The following is an entry in ClinVar:

ClinVar aggregate classification (germline): Uncertain significance. Review status: criteria provided, multiple submitters, no conflicts (2 of 4 stars). 3 submissions from 3 submitters: Uncertain significance (3). Last evaluated 2025-09-29.

Submissions (3):

Labcorp Genetics (formerly Invitae), Labcorp
Classification: Uncertain significance. Last evaluated: 2025-09-29. Review status: criteria provided, single submitter. Criteria: Invitae Variant Classification Sherloc (09022015). Collection method: clinical testing. Allele origin: germline.
Comment: This sequence change replaces leucine, which is neutral and non-polar, with phenylalanine, which is neutral and non-polar, at codon 92 of the IRF2BP2 protein (p.Leu92Phe). This variant is present in population databases (no rsID available, gnomAD 0.006%). This variant has not been reported in the literature in individuals affected with IRF2BP2-related conditions. ClinVar contains an entry for this variant (Variation ID: 1972438). An algorithm developed to predict the effect of missense changes on protein structure and function (PolyPhen-2) suggests that this variant is likely to be disruptive. In summary, the available evidence is currently insufficient to determine the role of this variant in disease. Therefore, it has been classified as a Variant of Uncertain Significance.

Blueprint Genetics
Classification: Uncertain significance. Last evaluated: 2024-10-03. Review status: criteria provided, single submitter. Criteria: ACMG Guidelines, 2015. Collection method: clinical testing. Allele origin: germline.

Ambry Genetics
Classification: Uncertain significance. Last evaluated: 2023-04-06. Review status: criteria provided, single submitter. Criteria: Ambry Variant Classification Scheme 2023. Collection method: clinical testing. Allele origin: germline.

NM_182972.3(IRF2BP2):c.274C>T (p.Leu92Phe)

Genes: IRF2BP2 (interferon regulatory factor 2 binding protein 2; minus strand), LOC129932812 (ATAC-STARR-seq lymphoblastoid silent region 1977; plus strand). Cytogenetic location: 1q42.3.
Variant type: single nucleotide variant.
Coding change: c.274C>T on transcript NM_182972.3 (MANE Select); coding-DNA position 274, C replaced by T.
Protein change: p.Leu92Phe; replaces leucine 92 with phenylalanine.
Molecular consequence: missense variant.
Genome position (GRCh38, 1-based): chr1:234,609,221, G>A on the plus strand (C>T on the coding strand, the complement: IRF2BP2 is on the minus strand). VCF-style: chr1-234609221-G-A. GRCh37 (hg19) VCF-style: chr1-234744967-G-A.
Other names: c.274C>T, p.Leu92Phe (NM_001077397.1); c.274C>T (NM_182972.2); short protein forms L92F.
Identifiers: ClinVar variation 1972438 (VCV001972438.8), dbSNP rs1385363381, ClinGen allele CA345311360.
Genomic context (GRCh38, chr1:234,609,221, plus strand): 5'-GCGGCGCGCGCGGGGCCGCCTCGGGGCCGCCGTGGCCAAGCTGCTGCTGCTGCTGCAAAA[G>A]GATGTCCTTGGCGGAGAGCGGCGGCGGCTTGGCGGCGGCCGAGGCCGCGGCGCCGGGTGG-3'
Protein context (NP_892017.2, residues 82-102): KPPPLSAKDI[Leu92Phe]LQQQQQLGHG